The following is an entry in ClinVar:

NM_001365951.3(KIF1B):c.4916T>A (p.Val1639Glu)

Gene: KIF1B (kinesin family member 1B; plus strand). Cytogenetic location: 1p36.22.
Variant type: single nucleotide variant.
Coding change: c.4916T>A on transcript NM_001365951.3 (MANE Select); coding-DNA position 4916, T replaced by A.
Protein change: p.Val1639Glu; replaces valine 1639 with glutamic acid.
Molecular consequence: missense variant.
Genome position (GRCh38, 1-based): chr1:10,371,232, T>A. VCF-style: chr1-10371232-T-A. GRCh37 (hg19) VCF-style: chr1-10431290-T-A.
Other names: c.4916T>A, p.Val1639Glu (NM_001365952.1); c.4778T>A, p.Val1593Glu (NM_015074.3); short protein forms V1593E, V1639E.
Identifiers: ClinVar variation 3533958 (VCV003533958.1).

ClinVar aggregate classification (germline): Uncertain significance (1 of 4 stars; one submission).

Submission:

Ambry Genetics
Classification: Uncertain significance. Last evaluated: 2024-07-29. Review status: criteria provided, single submitter. Criteria: Ambry Variant Classification Scheme 2023. Collection method: clinical testing. Allele origin: germline.
Comment: The p.V1593E variant (also known as c.4778T>A), located in coding exon 42 of the KIF1B gene, results from a T to A substitution at nucleotide position 4778. The valine at codon 1593 is replaced by glutamic acid, an amino acid with dissimilar properties. This amino acid position is conserved. In addition, this alteration is predicted to be tolerated by in silico analysis. Based on the available evidence, the clinical significance of this variant remains unclear.